The following is an entry in ClinVar:

ClinVar aggregate classification (germline): Uncertain significance. Review status: criteria provided, multiple submitters, no conflicts (2 of 4 stars). 2 submissions from 2 submitters: Uncertain significance (2). Last evaluated 2018-06-25.

Conditions:
Familial thoracic aortic aneurysm and aortic dissection (TAAD). Also called: Thoracic aortic aneurysms and dissections. Identifiers: Orphanet 91387, MedGen C4707243, MONDO:0019625.

Allele frequency attached by ClinVar (database versions not stated): gnomAD exomes below 0.00001.
gnomAD v4.1: 2 of 1,613,028 alleles (0.00012%); highest among the groups gnomAD compares: Non-Finnish European, 0.00017%; no homozygotes.

Submissions (2):

Ambry Genetics
Classification: Uncertain significance for Familial thoracic aortic aneurysm and aortic dissection. Last evaluated: 2018-06-25. Review status: criteria provided, single submitter. Criteria: Ambry Variant Classification Scheme 2023. Collection method: clinical testing. Allele origin: germline.
Comment: The p.P853T variant (also known as c.2557C>A), located in coding exon 39 of the COL5A2 gene, results from a C to A substitution at nucleotide position 2557. The proline at codon 853 is replaced by threonine, an amino acid with highly similar properties. This amino acid position is well conserved in available vertebrate species. In addition, the in silico prediction for this alteration is inconclusive. Since supporting evidence is limited at this time, the clinical significance of this alteration remains unclear.

GeneDx
Classification: Uncertain significance. Last evaluated: 2014-11-18. Review status: criteria provided, single submitter. Criteria: GeneDx Variant Classification (06012015). Collection method: clinical testing. Allele origin: germline. Affected: yes.
Comment: TAAD is a genetically heterogeneous disorder characterized by aortic dilatation, aneurysms, dissections and/or aneurysms of other major arteries. Approximately 4% of patients with autosomal dominant Ehlers-Danlos syndrome, classic type, have been reported to have a mutation in the COL5A2 gene (Malfait F et al., 2011). p.Pro853Thr (CCT>ACT): c.2557 C>A in exon 39 of the COL5A2 gene (NM_000393.3) A variant of unknown significance has been identified in the COL5A2 gene. The P853T variant has not been published as a mutation, nor has it been reported as a benign polymorphism to our knowledge. The P853T variant was not observed in approximately 6,500 individuals of European and African American ancestry in the NHLBI Exome Sequencing Project, indicating it is not a common benign variant in these populations. The P853T variant is a non-conservative amino acid substitution, which is likely to impact secondary protein structure as these residues differ in polarity, charge, size and/or other properties. Additionally, this substitution occurs at a position that is conserved among mammals and in silico analysis predicts this variant is probably damaging to the protein structure/function. However, missense mutations in nearby residues have not been reported indicating this region of the protein may be tolerant of change. Therefore, based on the currently available information, it is unclear whether this variant is a pathogenic mutation or a rare benign variant. This variant was found in TAADV2-1.

NM_000393.5(COL5A2):c.2557C>A (p.Pro853Thr)

Gene: COL5A2 (collagen type V alpha 2 chain; minus strand). Cytogenetic location: 2q32.2.
Variant type: single nucleotide variant.
Coding change: c.2557C>A on transcript NM_000393.5 (MANE Select); coding-DNA position 2557, C replaced by A.
Protein change: p.Pro853Thr; replaces proline 853 with threonine.
Molecular consequence: missense variant.
Genome position (GRCh38, 1-based): chr2:189,053,015, G>T on the plus strand (C>A on the coding strand, the complement: COL5A2 is on the minus strand). VCF-style: chr2-189053015-G-T. GRCh37 (hg19) VCF-style: chr2-189917741-G-T.
Other names: p.P853T:CCT>ACT; short protein forms P853T.
Identifiers: ClinVar variation 213151 (VCV000213151.4), dbSNP rs863223506, ClinGen allele CA322008.
Genomic context (GRCh38, chr2:189,053,015, plus strand): 5'-CAGCATCTCCCTTCTGTCCTGGCTCTCCAGGTTCACCTTTTACTCCAGGCTGTCCGTCAG[G>T]ACCCTATAAAAAATTATACAAACAAGCAATTGATTATAAGACTTATAGACAAATTACTTT-3'
Protein context (NP_000384.2, residues 843-863): GAVGFAGPQG[Pro853Thr]DGQPGVKGEP